The following is an entry in ClinVar:

NM_007254.4(PNKP):c.1274A>G (p.Asn425Ser)

Gene: PNKP (polynucleotide kinase 3'-phosphatase; minus strand). Cytogenetic location: 19q13.33.
Variant type: single nucleotide variant.
Coding change: c.1274A>G on transcript NM_007254.4 (MANE Select); coding-DNA position 1274, A replaced by G.
Protein change: p.Asn425Ser; replaces asparagine 425 with serine.
Molecular consequence: missense variant.
Genome position (GRCh38, 1-based): chr19:49,861,796, T>C on the plus strand (A>G on the coding strand, the complement: PNKP is on the minus strand). VCF-style: chr19-49861796-T-C. GRCh37 (hg19) VCF-style: chr19-50365053-T-C.
Other names: p.N425S:AAC>AGC; short protein forms N425S.
Identifiers: ClinVar variation 206410 (VCV000206410.11), dbSNP rs541840060, ClinGen allele CA316497.

ClinVar aggregate classification (germline): Uncertain significance. Review status: criteria provided, multiple submitters, no conflicts (2 of 4 stars). 4 submissions from 4 submitters: Uncertain significance (4). Last evaluated 2025-06-10.

Conditions:
Inborn genetic diseases. Identifiers: MedGen C0950123, MeSH D030342.
Developmental and epileptic encephalopathy, 12 (DEE12). Identifiers: MedGen C3150988, MONDO:0013389, OMIM 613722.

Allele frequency attached by ClinVar (database versions not stated): gnomAD exomes 0.00001; TOPMed 0.00001; gnomAD 0.00002 and 0.00003.
gnomAD v4.1: 22 of 1,566,366 alleles (0.0014%); highest among the groups gnomAD compares: Admixed American, 0.0019%; no homozygotes.

Submissions (4):

GeneDx
Classification: Uncertain significance. Last evaluated: 2025-06-10. Review status: criteria provided, single submitter. Criteria: GeneDx Variant Classification Process June 2021. Collection method: clinical testing. Allele origin: germline. Affected: yes.
Comment: Not observed at significant frequency in large population cohorts (gnomAD); In silico analysis supports that this missense variant has a deleterious effect on protein structure/function; Has not been previously published as pathogenic or benign to our knowledge; This variant is associated with the following publications: (PMID: 22508754)

Ambry Genetics
Classification: Uncertain significance for Inborn genetic diseases. Last evaluated: 2024-05-30. Review status: criteria provided, single submitter. Criteria: Ambry Variant Classification Scheme 2023. Collection method: clinical testing. Allele origin: germline.

Labcorp Genetics (formerly Invitae), Labcorp
Classification: Uncertain significance for Developmental and epileptic encephalopathy, 12. Last evaluated: 2022-11-01. Review status: criteria provided, single submitter. Criteria: Invitae Variant Classification Sherloc (09022015). Collection method: clinical testing. Allele origin: germline.
Comment: This sequence change replaces asparagine, which is neutral and polar, with serine, which is neutral and polar, at codon 425 of the PNKP protein (p.Asn425Ser). This variant is present in population databases (rs541840060, gnomAD 0.004%). This variant has not been reported in the literature in individuals affected with PNKP-related conditions. ClinVar contains an entry for this variant (Variation ID: 206410). Advanced modeling of protein sequence and biophysical properties (such as structural, functional, and spatial information, amino acid conservation, physicochemical variation, residue mobility, and thermodynamic stability) performed at Invitae indicates that this missense variant is not expected to disrupt PNKP protein function. In summary, the available evidence is currently insufficient to determine the role of this variant in disease. Therefore, it has been classified as a Variant of Uncertain Significance.

Blueprint Genetics
Classification: Uncertain significance. Last evaluated: 2022-04-30. Review status: criteria provided, single submitter. Criteria: ACMG Guidelines, 2015. Collection method: clinical testing. Allele origin: germline.